The following is an entry in ClinVar:

ClinVar aggregate classification (germline): Uncertain significance. Review status: criteria provided, multiple submitters, no conflicts (2 of 4 stars). 2 submissions from 2 submitters: Uncertain significance (2). Last evaluated 2025-05-23.

Conditions:
Acyl-CoA oxidase deficiency. Also called: STRAIGHT-CHAIN ACYL-CoA OXIDASE DEFICIENCY; Pseudoneonatal adrenoleukodystrophy; Peroxisomal acyl-CoA oxidase deficiency. Identifiers: Orphanet 2971, MedGen C1849678, MONDO:0009919, OMIM 264470. Disease mechanism: loss of function.

Submissions (2):

Dasa
Classification: Uncertain significance. Last evaluated: 2025-05-23. Review status: criteria provided, single submitter. Criteria: DASA Assertion Criteria. Collection method: clinical testing. Allele origin: germline.
Comment: NM_004035.7(ACOX1):c.658+3A>G is a splice-region variant. This variant is rare in population databases. Computational prediction algorithms are consistent with a benign effect. The currently available literature and clinical evidence are not sufficient to establish a definitive association between this variant and the reported condition. Therefore, this variant is classified as a variant of uncertain significance.

Labcorp Genetics (formerly Invitae), Labcorp
Classification: Uncertain significance for Acyl-CoA oxidase deficiency. Last evaluated: 2025-02-24. Review status: criteria provided, single submitter. Criteria: Invitae Variant Classification Sherloc (09022015). Collection method: clinical testing. Allele origin: germline.
Comment: This sequence change falls in intron 5 of the ACOX1 gene. It does not directly change the encoded amino acid sequence of the ACOX1 protein. It affects a nucleotide within the consensus splice site. This variant is not present in population databases (gnomAD no frequency). This variant has not been reported in the literature in individuals affected with ACOX1-related conditions. ClinVar contains an entry for this variant (Variation ID: 2415603). Variants that disrupt the consensus splice site are a relatively common cause of aberrant splicing (PMID: 17576681, 9536098). Algorithms developed to predict the effect of sequence changes on RNA splicing suggest that this variant is not likely to affect RNA splicing. In summary, the available evidence is currently insufficient to determine the role of this variant in disease. Therefore, it has been classified as a Variant of Uncertain Significance.

Literature cited by the submitters: PubMed 17576681 (cited by Labcorp Genetics (formerly Invitae), Labcorp); PubMed 9536098 (cited by Labcorp Genetics (formerly Invitae), Labcorp).

NM_004035.7(ACOX1):c.658+3A>G

Gene: ACOX1 (acyl-CoA oxidase 1; minus strand). Cytogenetic location: 17q25.1.
Variant type: single nucleotide variant.
Coding change: c.658+3A>G on transcript NM_004035.7 (MANE Select); 3 bases into the intron after coding-DNA position 658, A replaced by G.
Molecular consequence: intron variant.
Genome position (GRCh38, 1-based): chr17:75,955,825, T>C on the plus strand (A>G on the coding strand, the complement: ACOX1 is on the minus strand). VCF-style: chr17-75955825-T-C. GRCh37 (hg19) VCF-style: chr17-73951906-T-C.
Other names: c.658+3A>G (NM_007292.6); c.544+3A>G (NM_001185039.2).
Identifiers: ClinVar variation 2415603 (VCV002415603.6), dbSNP rs897698210, ClinGen allele CA294110542.